The following is an entry in ClinVar:

ClinVar aggregate classification (germline): Uncertain significance (1 of 4 stars; one submission).

Allele frequency attached by ClinVar (database versions not stated): gnomAD exomes below 0.00001.
gnomAD v4.1: 2 of 1,613,920 alleles (0.00012%); highest among the groups gnomAD compares: Non-Finnish European, 0.00017%; no homozygotes.

Submission:

Labcorp Genetics (formerly Invitae), Labcorp
Classification: Uncertain significance. Last evaluated: 2024-10-22. Review status: criteria provided, single submitter. Criteria: Invitae Variant Classification Sherloc (09022015). Collection method: clinical testing. Allele origin: germline.
Comment: This sequence change replaces valine, which is neutral and non-polar, with isoleucine, which is neutral and non-polar, at codon 333 of the UGT1A1 protein (p.Val333Ile). This variant is not present in population databases (gnomAD no frequency). This variant has not been reported in the literature in individuals affected with UGT1A1-related conditions. ClinVar contains an entry for this variant (Variation ID: 2182511). An algorithm developed to predict the effect of missense changes on protein structure and function (PolyPhen-2) suggests that this variant is likely to be tolerated. In summary, the available evidence is currently insufficient to determine the role of this variant in disease. Therefore, it has been classified as a Variant of Uncertain Significance.

NM_000463.3(UGT1A1):c.997G>A (p.Val333Ile)

Genes: UGT1A7 (UDP glucuronosyltransferase family 1 member A7; plus strand), UGT1A8 (UDP glucuronosyltransferase family 1 member A8; plus strand), UGT1A9 (UDP glucuronosyltransferase family 1 member A9; plus strand), UGT1A (UDP glucuronosyltransferase family 1 member A complex locus; plus strand), UGT1A1 (UDP glucuronosyltransferase family 1 member A1; plus strand) and 5 more. Cytogenetic location: 2q37.1.
Variant type: single nucleotide variant.
Coding change: c.997G>A on transcript NM_000463.3 (MANE Select); coding-DNA position 997, G replaced by A.
Protein change: p.Val333Ile; replaces valine 333 with isoleucine.
Molecular consequence: missense variant.
Genome position (GRCh38, 1-based): chr2:233,767,849, G>A. VCF-style: chr2-233767849-G-A. GRCh37 (hg19) VCF-style: chr2-234676495-G-A.
Other names: c.988G>A, p.Val330Ile (NM_019075.4, NM_019076.5, NM_019077.3 and 1 more transcripts); c.994G>A, p.Val332Ile (NM_001072.4); c.193G>A, p.Val65Ile (NM_205862.3); c.1000G>A, p.Val334Ile (NM_019078.2, NM_007120.3, NM_019093.4); short protein forms V334I, V330I, V332I, V65I, V333I.
Identifiers: ClinVar variation 2182511 (VCV002182511.4), dbSNP rs2473156683, ClinGen allele CA351072698.